The following is an entry in ClinVar:

NM_002076.4(GNS):c.1597C>T (p.Arg533Cys)

Gene: GNS (glucosamine (N-acetyl)-6-sulfatase; minus strand). Cytogenetic location: 12q14.3.
Variant type: single nucleotide variant.
Coding change: c.1597C>T on transcript NM_002076.4 (MANE Select); coding-DNA position 1597, C replaced by T.
Protein change: p.Arg533Cys; replaces arginine 533 with cysteine.
Molecular consequence: missense variant.
Genome position (GRCh38, 1-based): chr12:64,716,803, G>A on the plus strand (C>T on the coding strand, the complement: GNS is on the minus strand). VCF-style: chr12-64716803-G-A. GRCh37 (hg19) VCF-style: chr12-65110583-G-A.
Other names: short protein forms R533C.
Identifiers: ClinVar variation 1522387 (VCV001522387.8), dbSNP rs1430079019, ClinGen allele CA385599947.

ClinVar aggregate classification (germline): Uncertain significance (1 of 4 stars; one submission).

Conditions:
Mucopolysaccharidosis, MPS-III-D (MPS3D). Also called: N-ACETYLGLUCOSAMINE-6-SULFATASE DEFICIENCY; SANFILIPPO SYNDROME D; MPS III D; Mucopoly-saccharidosis type 3D; N-acetylglucosamine-6-sulfate sulfatase deficiency; MPS 3D. Identifiers: Orphanet 581, Orphanet 79272, MedGen C0086650, MONDO:0009658, OMIM 252940.

Allele frequency attached by ClinVar (database versions not stated): gnomAD exomes below 0.00001 and 0.00001; TOPMed below 0.00001; gnomAD 0.00001.
gnomAD v4.1: 8 of 1,611,584 alleles (0.0005%); highest among the groups gnomAD compares: East Asian, 0.0045%; no homozygotes.

Submission:

Labcorp Genetics (formerly Invitae), Labcorp
Classification: Uncertain significance for Mucopolysaccharidosis, MPS-III-D. Last evaluated: 2022-07-19. Review status: criteria provided, single submitter. Criteria: Invitae Variant Classification Sherloc (09022015). Collection method: clinical testing. Allele origin: germline.
Comment: Algorithms developed to predict the effect of missense changes on protein structure and function are either unavailable or do not agree on the potential impact of this missense change (SIFT: "Deleterious"; PolyPhen-2: "Possibly Damaging"; Align-GVGD: "Class C0"). In summary, the available evidence is currently insufficient to determine the role of this variant in disease. Therefore, it has been classified as a Variant of Uncertain Significance. ClinVar contains an entry for this variant (Variation ID: 1522387). This variant has not been reported in the literature in individuals affected with GNS-related conditions. This variant is present in population databases (no rsID available, gnomAD 0.0009%). This sequence change replaces arginine, which is basic and polar, with cysteine, which is neutral and slightly polar, at codon 533 of the GNS protein (p.Arg533Cys).